The following is an entry in ClinVar:

ClinVar aggregate classification (germline): Uncertain significance. Review status: criteria provided, multiple submitters, no conflicts (2 of 4 stars). 24 submissions from 20 submitters: Uncertain significance (24). Last evaluated 2026-09-21.

Conditions:
Myopathy, myosin storage, autosomal recessive (CMYO7B). Also called: CONGENITAL MYOPATHY 7B, MYOSIN STORAGE, AUTOSOMAL RECESSIVE. Identifiers: Orphanet 636970, MedGen C1850709, MONDO:0009708, OMIM 255160.
Dilated cardiomyopathy 1S (CMD1S). Identifiers: Orphanet 154, Orphanet 54260, MedGen C1834481, MONDO:0013262, OMIM 613426.
MYH7-related skeletal myopathy. Also called: Laing distal myopathy; Laing early-onset distal myopathy; MYOPATHY, DISTAL, EARLY-ONSET, AUTOSOMAL DOMINANT; MYOPATHY, LATE DISTAL HEREDITARY; Myopathy, distal, 1. Identifiers: Orphanet 59135, MedGen C4552004, MONDO:0008050, OMIM 160500.
Hypertrophic cardiomyopathy 1 (CMH1). Also called: Familial hypertrophic cardiomyopathy 1; MYH7-Related Familial Hypertrophic Cardiomyopathy. Identifiers: MedGen C3495498, MONDO:0008647, OMIM 192600.
Myosin storage myopathy (CMYO7A). Also called: SCAPULOPERONEAL MUSCULAR DYSTROPHY; SCAPULOPERONEAL SYNDROME, MYOPATHIC TYPE; MYOPATHY, HYALINE BODY, AUTOSOMAL DOMINANT; Scapuloperoneal myopathy, MYH7-related; MYH7-related late-onset scapuloperoneal muscular dystrophy; Congenital myopathy 7A, myosin storage, autosomal dominant. Identifiers: Orphanet 437572, Orphanet 636965, MedGen C1842160, MONDO:0008409, OMIM 608358.
Congenital myopathy with fiber type disproportion. Also called: Congenital fiber-type disproportion myopathy; Congenital fiber-type disproportion. Identifiers: Orphanet 2020, MedGen C0546264, MONDO:0009711. Inheritance: all.
MYH7-related disorder. Also called: MYH7-related disorders; MYH7-related condition; MYH7-related disease.
Cardiovascular phenotype. Identifiers: MedGen CN230736.
Cardiomyopathy (CMYO). Also called: Cardiomyopathies. Identifiers: Orphanet 167848, MedGen C0878544, MONDO:0004994, HP:0001638. Inheritance: Various modes of inheritance.
Hypertrophic cardiomyopathy. Also called: HYPERTROPHIC MYOCARDIOPATHY. Identifiers: Orphanet 217569, MedGen C0007194, MeSH D002312, MONDO:0005045, HP:0001639.

Allele frequency attached by ClinVar (database versions not stated): ExAC 0.00004; gnomAD exomes 0.00007; TOPMed 0.00007; gnomAD 0.00009 and 0.00011.

Submissions 1 to 6 of 24:

Molecular Diagnostic Laboratory for Inherited Cardiovascular Disease, Montreal Heart Institute
Classification: Uncertain significance for Cardiovascular phenotype. Last evaluated: 2026-09-21. Review status: criteria provided, single submitter. Criteria: ACMG Guidelines, 2015. Collection method: clinical testing. Allele origin: germline. Affected: yes.
Comment: PP3

PreventionGenetics, part of Exact Sciences
Classification: Uncertain significance for MYH7-related condition. Last evaluated: 2026-02-19. Review status: criteria provided, single submitter. Criteria: ACMG Guidelines, 2015. Collection method: clinical testing. Allele origin: germline.
Comment: The MYH7 c.5287G>A variant is predicted to result in the amino acid substitution p.Ala1763Thr. This variant has been reported in multiple individuals with hypertrophic cardiomyopathy or dilated cardiomyopathy (Berge et al. 2014. PubMed ID: 24111713; Broch et al. 2015. PubMed ID: 26468400; Table S1B, Walsh et al. 2017. PubMed ID: 27532257; Table S2, Burns et al. 2017. PubMed ID: 28790153; Table S2, Robyns et al. 2020. PubMed ID: 31513939; Table S8, McGurk et al. 2023. PubMed ID: 37652022), as well as in four pediatric cases of sudden unexplained death (Dewar et al. 2017. PubMed ID: 28807990). However, another cohort study found this variant only in eight individuals in the control group and none of the hypertrophic cardiomyopathy patients (Table S6, Park et al. 2022. PubMed ID: 34542152). This variant is reported in 0.012% of alleles in individuals of European (Non-Finnish) descent in gnomAD and is interpreted as uncertain significance in ClinVar (Variation ID: 177846). At this time, the clinical significance of this variant is uncertain due to the absence of conclusive functional and genetic evidence.

Ambry Genetics
Classification: Uncertain significance for Cardiovascular phenotype. Last evaluated: 2026-01-25. Review status: criteria provided, single submitter. Criteria: Ambry Variant Classification Scheme 2023. Collection method: clinical testing. Allele origin: germline.
Comment: The c.5287G>A (p.A1763T) alteration is located in exon 37 (coding exon 35) of the MYH7 gene. This alteration results from a G to A substitution at nucleotide position 5287, causing the alanine (A) at amino acid position 1763 to be replaced by a threonine (T). Based on data from gnomAD, the A allele has an overall frequency of 0.007% (21/282898) total alleles studied. The highest observed frequency was 0.014% (1/7226) of Other alleles. Based on insufficient or conflicting evidence, the clinical significance of this alteration remains unclear.

Women's Health and Genetics/Laboratory Corporation of America, LabCorp
Classification: Uncertain significance. Last evaluated: 2025-09-08. Review status: criteria provided, single submitter. Criteria: LabCorp Variant Classification Summary - May 2015. Collection method: clinical testing. Allele origin: germline.
Comment: Variant summary: MYH7 c.5287G>A (p.Ala1763Thr) results in a non-conservative amino acid change located in the Myosin tail domain of the encoded protein sequence. Algorithms developed to predict the effect of missense changes on protein structure and function all suggest that this variant is likely to be disruptive. The variant allele was found at a frequency of 6.8e-05 in 251494 control chromosomes. This frequency is not significantly higher than estimated for disease-causing variants in MYH7, allowing no conclusion about variant significance. c.5287G>A has been reported in individuals affected with HCM, DCM, or sudden unexpected death. These report(s) do not provide unequivocal conclusions about association of the variant with Cardiomyopathy. Co-occurrences with other pathogenic variant(s) have been reported (TTN c.48868C>T, p.Arg16290X), providing supporting evidence for a benign role. To our knowledge, no experimental evidence demonstrating an impact on protein function has been reported. The following publications have been ascertained in the context of this evaluation (PMID: 24111713, 27532257, 28807990, 31931689). ClinVar contains an entry for this variant (Variation ID: 177846). Based on the evidence outlined above, the variant was classified as uncertain significance.

Dasa
Classification: Uncertain significance. Last evaluated: 2025-01-23. Review status: criteria provided, single submitter. Criteria: DASA Assertion Criteria. Collection method: clinical testing. Allele origin: germline.
Comment: NM_000257.4(MYH7):c.5287G>A (p.Ala1763Thr) is a missense variant that results in the substitution of alanine with threonine. This variant is rare in population databases. Computational prediction algorithms are consistent with a deleterious effect. The currently available literature and clinical evidence are not sufficient to establish a definitive association between this variant and the reported condition. Therefore, this variant is classified as a variant of uncertain significance.

Color Diagnostics, LLC DBA Color Health
Classification: Uncertain significance for Cardiomyopathy. Last evaluated: 2025-01-06. Review status: criteria provided, single submitter. Criteria: ACMG Guidelines, 2015. Collection method: clinical testing. Allele origin: germline.
Comment: This missense variant replaces alanine with threonine at codon 1763 of the MYH7 protein. Computational prediction suggests that this variant may have a deleterious impact on protein structure and function. To our knowledge, functional studies have not been reported for this variant. This variant has been reported in multiple individuals affected with hypertrophic cardiomyopathy (PMID: 31513939, 24111713, 24793961, 25611685, 27532257, 27600940, 28790153, 33495597, 38489124), in an individual affected with dilated cardiomyopathy (PMID: 26468400), and in an individual affected with sudden unexplained death (PMID: 28807990). One individual affected with hypertrophic cardiomyopathy also carried a pathogenic variant in a different gene (PMID: 27600940). This variant has been identified in 21/282898 chromosomes in the general population by the Genome Aggregation Database (gnomAD). The available evidence is insufficient to determine the role of this variant in disease conclusively. Therefore, this variant is classified as a Variant of Uncertain Significance.

NM_000257.4(MYH7):c.5287G>A (p.Ala1763Thr)

Genes: MYH7 (myosin heavy chain 7; minus strand), LOC126861897 (BRD4-independent group 4 enhancer GRCh37_chr14:23884455-23885654; plus strand). Cytogenetic location: 14q11.2.
Variant type: single nucleotide variant.
Coding change: c.5287G>A on transcript NM_000257.4 (MANE Select); coding-DNA position 5287, G replaced by A.
Protein change: p.Ala1763Thr; replaces alanine 1763 with threonine.
Molecular consequence: missense variant.
Genome position (GRCh38, 1-based): chr14:23,415,267, C>T on the plus strand (G>A on the coding strand, the complement: MYH7 is on the minus strand). VCF-style: chr14-23415267-C-T. GRCh37 (hg19) VCF-style: chr14-23884476-C-T.
Other names: short protein forms A1763T.
Identifiers: ClinVar variation 177846 (VCV000177846.64), dbSNP rs727504355, ClinGen allele CA015861.
Genomic context (GRCh38, chr14:23,415,267, plus strand): 5'-TCATGCGCTCCAGGTGGGCGCTGGTGTCCTGCTCCTTCTTCAGCTCCTCTGCCATCATGG[C>T]GGCCTGTGTGCAGGAGAGAGGTGGCACATGGTCTGGTCAAGTCCTCACACACTTGCTGCC-3'
Protein context (NP_000248.2, residues 1753-1773): EKAKKAITDA[Ala1763Thr]MMAEELKKEQ